The following is an entry in ClinVar:

ClinVar aggregate classification (germline): Likely benign. Review status: criteria provided, multiple submitters, no conflicts (2 of 4 stars). 2 submissions from 2 submitters: Likely benign (2). Last evaluated 2025-06-23.

Conditions:
Pheochromocytoma/paraganglioma syndrome 3. Also called: GLOMUS TUMORS, FAMILIAL, 3; Paragangliomas 3; SDHC-Related Hereditary Paraganglioma-Pheochromocytoma Syndrome (Paragangliomas 3); SDHC-Related Hereditary Paraganglioma-Pheochromocytoma Syndrome. Identifiers: Orphanet 29072, MedGen C1854336, MONDO:0011544, OMIM 605373.
Gastrointestinal stromal tumor. Also called: Gastrointestinal stroma tumor; Gastrointestinal stromal tumor, somatic. Identifiers: Orphanet 44890, MedGen C0238198, MeSH D046152, MONDO:0011719, OMIM 606764, HP:0100723.

Allele frequency attached by ClinVar (database versions not stated): gnomAD exomes below 0.00001.
gnomAD v4.1: 9 of 1,580,984 alleles (0.00057%); highest among the groups gnomAD compares: East Asian, 0.0023%; no homozygotes.

Submissions (2):

Labcorp Genetics (formerly Invitae), Labcorp
Classification: Likely benign for Pheochromocytoma/paraganglioma syndrome 3; Gastrointestinal stromal tumor. Last evaluated: 2025-06-23. Review status: criteria provided, single submitter. Criteria: Invitae Variant Classification Sherloc (09022015). Collection method: clinical testing. Allele origin: germline.

Myriad Genetics, Inc.
Classification: Likely benign for Pheochromocytoma/paraganglioma syndrome 3. Last evaluated: 2025-03-13. Review status: criteria provided, single submitter. Criteria: Myriad Autosomal Dominant, Autosomal Recessive and X-Linked Classification Criteria (2023). Collection method: clinical testing. Allele origin: unknown.
Comment: This variant is considered likely benign. This variant is intronic and is not expected to impact mRNA splicing.

NM_003001.5(SDHC):c.20+10G>A

Gene: SDHC (succinate dehydrogenase complex subunit C; plus strand). Cytogenetic location: 1q23.3.
Variant type: single nucleotide variant.
Coding change: c.20+10G>A on transcript NM_003001.5 (MANE Select); 10 bases into the intron after coding-DNA position 20, G replaced by A.
Molecular consequence: intron variant. On other transcripts: 5 prime UTR variant (1).
Genome position (GRCh38, 1-based): chr1:161,314,435, G>A. VCF-style: chr1-161314435-G-A. GRCh37 (hg19) VCF-style: chr1-161284225-G-A.
Other names: c.-531G>A (NM_001407119.1); c.-210+10G>A (NM_001407120.1); c.20+10G>A (NM_001407115.1, NM_001035511.3, NM_001035512.3 and 6 more transcripts).
Identifiers: ClinVar variation 414249 (VCV000414249.14), dbSNP rs1060504224, ClinGen allele CA16609908.